The following is an entry in ClinVar:

NM_032119.4(ADGRV1):c.8076A>C (p.Arg2692Ser)

Gene: ADGRV1 (adhesion G protein-coupled receptor V1; plus strand). Cytogenetic location: 5q14.3.
Variant type: single nucleotide variant.
Coding change: c.8076A>C on transcript NM_032119.4 (MANE Select); coding-DNA position 8076, A replaced by C.
Protein change: p.Arg2692Ser; replaces arginine 2692 with serine.
Molecular consequence: missense variant. On other transcripts: non-coding transcript variant (1).
Genome position (GRCh38, 1-based): chr5:90,697,067, A>C. VCF-style: chr5-90697067-A-C. GRCh37 (hg19) VCF-style: chr5-89992884-A-C.
Other names: short protein forms R2692S.
Identifiers: ClinVar variation 4873722 (VCV004873722.2).

ClinVar aggregate classification (germline): Uncertain significance (1 of 4 stars; one submission).

Submission:

CeGaT Center for Human Genetics Tuebingen
Classification: Uncertain significance. Last evaluated: 2026-05-01. Review status: criteria provided, single submitter. Criteria: CeGaT Center For Human Genetics Tuebingen Variant Classification Criteria Version 2. Collection method: clinical testing. Allele origin: germline. Affected: yes. Observed: 1 variant allele.
Comment: ADGRV1: PM2, BP4